The following is an entry in ClinVar:

ClinVar aggregate classification (germline): Uncertain significance (1 of 4 stars; one submission).

gnomAD v4.1: 1 of 1,614,140 alleles (0.000062%); no homozygotes.

Submission:

Labcorp Genetics (formerly Invitae), Labcorp
Classification: Uncertain significance. Last evaluated: 2024-02-24. Review status: criteria provided, single submitter. Criteria: Invitae Variant Classification Sherloc (09022015). Collection method: clinical testing. Allele origin: germline.
Comment: This sequence change replaces leucine, which is neutral and non-polar, with phenylalanine, which is neutral and non-polar, at codon 2210 of the KMT2A protein (p.Leu2210Phe). This variant is not present in population databases (gnomAD no frequency). This variant has not been reported in the literature in individuals affected with KMT2A-related conditions. ClinVar contains an entry for this variant (Variation ID: 1505386). Advanced modeling of protein sequence and biophysical properties (such as structural, functional, and spatial information, amino acid conservation, physicochemical variation, residue mobility, and thermodynamic stability) performed at Invitae indicates that this missense variant is not expected to disrupt KMT2A protein function with a negative predictive value of 95%. In summary, the available evidence is currently insufficient to determine the role of this variant in disease. Therefore, it has been classified as a Variant of Uncertain Significance.

NM_001197104.2(KMT2A):c.6628C>T (p.Leu2210Phe)

Gene: KMT2A (lysine methyltransferase 2A; plus strand). Cytogenetic location: 11q23.3.
Variant type: single nucleotide variant.
Coding change: c.6628C>T on transcript NM_001197104.2 (MANE Select); coding-DNA position 6628, C replaced by T.
Protein change: p.Leu2210Phe; replaces leucine 2210 with phenylalanine.
Molecular consequence: missense variant.
Genome position (GRCh38, 1-based): chr11:118,502,520, C>T. VCF-style: chr11-118502520-C-T. GRCh37 (hg19) VCF-style: chr11-118373235-C-T.
Other names: c.6619C>T, p.Leu2207Phe (NM_005933.4); short protein forms L2210F, L2207F.
Identifiers: ClinVar variation 1505386 (VCV001505386.6), dbSNP rs1555046049, ClinGen allele CA382802462.